The following is an entry in ClinVar:

NM_002691.4(POLD1):c.1270G>A (p.Val424Met)

Gene: POLD1 (DNA polymerase delta 1, catalytic subunit; plus strand). Cytogenetic location: 19q13.33.
Variant type: single nucleotide variant.
Coding change: c.1270G>A on transcript NM_002691.4 (MANE Select); coding-DNA position 1270, G replaced by A.
Protein change: p.Val424Met; replaces valine 424 with methionine.
Molecular consequence: missense variant. On other transcripts: non-coding transcript variant (1).
Genome position (GRCh38, 1-based): chr19:50,406,209, G>A. VCF-style: chr19-50406209-G-A. GRCh37 (hg19) VCF-style: chr19-50909466-G-A.
Other names: c.1270G>A, p.Val424Met (NM_001256849.1, NM_001308632.1); short protein forms V424M.
Identifiers: ClinVar variation 818752 (VCV000818752.10), dbSNP rs1315928771, ClinGen allele CA406979765.
Genomic context (GRCh38, chr19:50,406,209, plus strand): 5'-CAGCCTGCTGCACACCCTGCCTCTCCTCCTCAGGTACAAACATTCCCTTTCCTGGGCCGT[G>A]TGGCCGGCCTTTGCTCCAACATCCGGGACTCTTCATTCCAGTCCAAGCAGACGGGCCGGC-3'
Protein context (NP_002682.2, residues 414-434): KVQTFPFLGR[Val424Met]AGLCSNIRDS

ClinVar aggregate classification (germline): Uncertain significance. Review status: criteria provided, multiple submitters, no conflicts (2 of 4 stars). 3 submissions from 3 submitters: Uncertain significance (3). Last evaluated 2025-11-16.

Conditions:
POLD1-related polyposis and colorectal cancer syndrome (CRCS10). Also called: Colorectal cancer, susceptibility to, 10; Colorectal cancer 10; COLORECTAL CANCER, SUSCEPTIBILITY TO, ON CHROMOSOME 19q. Identifiers: Orphanet 220460, MedGen C2675481, MONDO:0012953, OMIM 612591.
Hereditary cancer-predisposing syndrome. Also called: Hereditary Cancer Syndrome; Hereditary neoplastic syndrome; Neoplastic Syndromes, Hereditary; Tumor predisposition. Identifiers: Orphanet 140162, MedGen C0027672, MeSH D009386, MONDO:0015356.

Allele frequency attached by ClinVar (database versions not stated): gnomAD exomes below 0.00001; gnomAD 0.00001.
gnomAD v4.1: 2 of 1,613,792 alleles (0.00012%); highest among the groups gnomAD compares: African/African-American, 0.0013%; no homozygotes.

Submissions (3):

Labcorp Genetics (formerly Invitae), Labcorp
Classification: Uncertain significance for POLD1-related polyposis and colorectal cancer syndrome. Last evaluated: 2025-11-16. Review status: criteria provided, single submitter. Criteria: Invitae Variant Classification Sherloc (09022015). Collection method: clinical testing. Allele origin: germline.
Comment: This sequence change replaces valine, which is neutral and non-polar, with methionine, which is neutral and non-polar, at codon 424 of the POLD1 protein (p.Val424Met). This variant is present in population databases (no rsID available, gnomAD 0.01%). This variant has not been reported in the literature in individuals affected with POLD1-related conditions. ClinVar contains an entry for this variant (Variation ID: 818752). Invitae Evidence Modeling of protein sequence and biophysical properties (such as structural, functional, and spatial information, amino acid conservation, physicochemical variation, residue mobility, and thermodynamic stability) indicates that this missense variant is not expected to disrupt POLD1 protein function with a negative predictive value of 80%. In summary, the available evidence is currently insufficient to determine the role of this variant in disease. Therefore, it has been classified as a Variant of Uncertain Significance.

Baylor Genetics
Classification: Uncertain significance for POLD1-related polyposis and colorectal cancer syndrome. Last evaluated: 2023-05-12. Review status: criteria provided, single submitter. Criteria: ACMG Guidelines, 2015. Collection method: clinical testing. Allele origin: unknown.

Ambry Genetics
Classification: Uncertain significance for Hereditary cancer-predisposing syndrome. Last evaluated: 2023-04-14. Review status: criteria provided, single submitter. Criteria: Ambry Variant Classification Scheme 2023. Collection method: clinical testing. Allele origin: germline.
Comment: The p.V424M variant (also known as c.1270G>A), located in coding exon 10 of the POLD1 gene, results from a G to A substitution at nucleotide position 1270. The valine at codon 424 is replaced by methionine, an amino acid with highly similar properties. This amino acid position is well conserved in available vertebrate species. In addition, this alteration is predicted to be tolerated by in silico analysis. Since supporting evidence is limited at this time, the clinical significance of this alteration remains unclear.